The following is an entry in ClinVar:

ClinVar aggregate classification (germline): Uncertain significance (1 of 4 stars; one submission).

Submission:

Labcorp Genetics (formerly Invitae), Labcorp
Classification: Uncertain significance. Last evaluated: 2023-03-12. Review status: criteria provided, single submitter. Criteria: Invitae Variant Classification Sherloc (09022015). Collection method: clinical testing. Allele origin: germline.
Comment: In summary, the available evidence is currently insufficient to determine the role of this variant in disease. Therefore, it has been classified as a Variant of Uncertain Significance. Advanced modeling of protein sequence and biophysical properties (such as structural, functional, and spatial information, amino acid conservation, physicochemical variation, residue mobility, and thermodynamic stability) has been performed at Invitae for this missense variant, however the output from this modeling did not meet the statistical confidence thresholds required to predict the impact of this variant on SLC7A9 protein function. This variant has not been reported in the literature in individuals affected with SLC7A9-related conditions. This variant is not present in population databases (gnomAD no frequency). This sequence change replaces tryptophan, which is neutral and slightly polar, with leucine, which is neutral and non-polar, at codon 383 of the SLC7A9 protein (p.Trp383Leu).

NM_014270.5(SLC7A9):c.1148G>T (p.Trp383Leu)

Gene: SLC7A9 (solute carrier family 7 member 9; minus strand). Cytogenetic location: 19q13.11.
Variant type: single nucleotide variant.
Coding change: c.1148G>T on transcript NM_014270.5 (MANE Select); coding-DNA position 1148, G replaced by T.
Protein change: p.Trp383Leu; replaces tryptophan 383 with leucine.
Molecular consequence: missense variant.
Genome position (GRCh38, 1-based): chr19:32,842,244, C>A on the plus strand (G>T on the coding strand, the complement: SLC7A9 is on the minus strand). VCF-style: chr19-32842244-C-A. GRCh37 (hg19) VCF-style: chr19-33333150-C-A.
Other names: c.1148G>T, p.Trp383Leu (NM_001126335.2, NM_001243036.2); short protein forms W383L.
Identifiers: ClinVar variation 2845197 (VCV002845197.3), dbSNP rs2513556856, ClinGen allele CA405198056.